The following is an entry in ClinVar:

NM_020822.3(KCNT1):c.111-15G>A

Gene: KCNT1 (potassium sodium-activated channel subfamily T member 1; plus strand). Cytogenetic location: 9q34.3.
Variant type: single nucleotide variant.
Coding change: c.111-15G>A on transcript NM_020822.3 (MANE Select); 15 bases into the intron before coding-DNA position 111, G replaced by A.
Molecular consequence: intron variant.
Genome position (GRCh38, 1-based): chr9:135,714,562, G>A. VCF-style: chr9-135714562-G-A. GRCh37 (hg19) VCF-style: chr9-138606408-G-A.
Other names: c.110+12194G>A (NM_001272003.2).
Identifiers: ClinVar variation 2044259 (VCV002044259.4), dbSNP rs1835641611, ClinGen allele CA1129959835.

ClinVar aggregate classification (germline): Uncertain significance (1 of 4 stars; one submission).

Conditions:
Developmental and epileptic encephalopathy, 14 (DEE14). Also called: Early infantile epileptic encephalopathy 14. Identifiers: Orphanet 293181, MedGen C3554195, MONDO:0013989, OMIM 614959.
Autosomal dominant nocturnal frontal lobe epilepsy 5. Also called: Epilepsy, nocturnal frontal lobe, 5; CILIARY DYSKINESIA, PRIMARY, 28, WITH SITUS INVERSUS; CILIARY DYSKINESIA, PRIMARY, 28, WITHOUT SITUS INVERSUS; KCNT1-Related Epilepsy. Identifiers: Orphanet 98784, MedGen C3554306, MONDO:0014002, OMIM 615005.

Allele frequency attached by ClinVar (database versions not stated): gnomAD 0.00001.

Submission:

Labcorp Genetics (formerly Invitae), Labcorp
Classification: Uncertain significance for Autosomal dominant nocturnal frontal lobe epilepsy 5; Developmental and epileptic encephalopathy, 14. Last evaluated: 2022-07-29. Review status: criteria provided, single submitter. Criteria: Invitae Variant Classification Sherloc (09022015). Collection method: clinical testing. Allele origin: germline.
Comment: This variant is not present in population databases (gnomAD no frequency). This variant has not been reported in the literature in individuals affected with KCNT1-related conditions. Algorithms developed to predict the effect of sequence changes on RNA splicing suggest that this variant may disrupt the consensus splice site. In summary, the available evidence is currently insufficient to determine the role of this variant in disease. Therefore, it has been classified as a Variant of Uncertain Significance. This sequence change falls in intron 1 of the KCNT1 gene. It does not directly change the encoded amino acid sequence of the KCNT1 protein.